The following is an entry in ClinVar:

ClinVar aggregate classification (germline): Uncertain significance. Review status: criteria provided, multiple submitters, no conflicts (2 of 4 stars). 2 submissions from 2 submitters: Uncertain significance (2). Last evaluated 2020-11-10.

Conditions:
Diffuse cerebral and cerebellar atrophy - intractable seizures - progressive microcephaly syndrome. Also called: Microcephaly, progressive, with seizures and cerebral and cerebellar atrophy. Identifiers: Orphanet 404437, MedGen C4014239, MONDO:0014335, OMIM 615760.

Submissions (2):

Labcorp Genetics (formerly Invitae), Labcorp
Classification: Uncertain significance. Last evaluated: 2020-11-10. Review status: criteria provided, single submitter. Criteria: Invitae Variant Classification Sherloc (09022015). Collection method: clinical testing. Allele origin: germline.
Comment: This sequence change creates a premature translational stop signal (p.Thr765Leufs*4) in the QARS gene. While this is not anticipated to result in nonsense mediated decay, it is expected to disrupt the last 11 amino acid(s) of the QARS protein. This variant is not present in population databases (ExAC no frequency). This variant has not been reported in the literature in individuals with QARS-related conditions. Experimental studies and prediction algorithms are not available or were not evaluated, and the functional significance of this variant is currently unknown. In summary, the available evidence is currently insufficient to determine the role of this variant in disease. Therefore, it has been classified as a Variant of Uncertain Significance.

Revvity Omics, Revvity
Classification: Uncertain significance for Diffuse cerebral and cerebellar atrophy - intractable seizures - progressive microcephaly syndrome. Last evaluated: 2019-09-26. Review status: criteria provided, single submitter. Criteria: ACMG Guidelines, 2015. Collection method: clinical testing. Allele origin: germline.

NM_005051.3(QARS1):c.2293del (p.Thr765fs)

Gene: QARS1 (glutaminyl-tRNA synthetase 1; minus strand). Cytogenetic location: 3p21.31.
Variant type: Deletion.
Coding change: c.2293del on transcript NM_005051.3 (MANE Select); coding-DNA position 2293, one base deleted (A; older notation c.2293delA).
Protein change: p.Thr765fs; shifts the reading frame from threonine 765.
Molecular consequence: frameshift variant. On other transcripts: non-coding transcript variant (1).
Genome position (GRCh38, 1-based): chr3:49,096,064, T deleted on the plus strand (A on the coding strand, the reverse complement: QARS1 is on the minus strand); the first of 2 consecutive T bases (chr3:49,096,064-49,096,065); deleting either gives the same sequence. VCF-style (leftmost placement, unchanged base first): chr3-49096063-GT-G. GRCh37 (hg19) VCF-style: chr3-49133496-GT-G.
Other names: c.2293del (NM_005051.2); c.2260del, p.Thr754fs (NM_001272073.2); short protein forms T754fs, T765fs.
Identifiers: ClinVar variation 1345319 (VCV001345319.4), dbSNP rs2107087591, ClinGen allele CA2573137144.